The following is an entry in ClinVar:

NM_001127453.2(GSDME):c.224C>T (p.Ser75Leu)

Gene: GSDME (gasdermin E; minus strand). Cytogenetic location: 7p15.3.
Variant type: single nucleotide variant.
Coding change: c.224C>T on transcript NM_001127453.2 (MANE Select); coding-DNA position 224, C replaced by T.
Protein change: p.Ser75Leu; replaces serine 75 with leucine.
Molecular consequence: missense variant. On other transcripts: 5 prime UTR variant (1).
Genome position (GRCh38, 1-based): chr7:24,744,742, G>A on the plus strand (C>T on the coding strand, the complement: GSDME is on the minus strand). VCF-style: chr7-24744742-G-A. GRCh37 (hg19) VCF-style: chr7-24784361-G-A.
Other names: c.-269C>T (NM_001127454.2); c.224C>T, p.Ser75Leu (NM_004403.3); c.224C>T (NM_004403.2); short protein forms S75L.
Identifiers: ClinVar variation 2965784 (VCV002965784.5), dbSNP rs370126747, ClinGen allele CA4191794.

ClinVar aggregate classification (germline): Uncertain significance. Review status: criteria provided, multiple submitters, no conflicts (2 of 4 stars). 3 submissions from 3 submitters: Uncertain significance (3). Last evaluated 2024-03-02.

Conditions:
Inborn genetic diseases. Identifiers: MedGen C0950123, MeSH D030342.

Allele frequency attached by ClinVar (database versions not stated): ExAC 0.00003; ESP Exome Variant Server 0.00008.
gnomAD v4.1: 20 of 1,613,970 alleles (0.0012%); highest among the groups gnomAD compares: Admixed American, 0.0067%; no homozygotes.

Submissions (3):

Blueprint Genetics
Classification: Uncertain significance. Last evaluated: 2024-03-02. Review status: criteria provided, single submitter. Criteria: ACMG Guidelines, 2015. Collection method: clinical testing. Allele origin: germline.

Ambry Genetics
Classification: Uncertain significance for Inborn genetic diseases. Last evaluated: 2023-11-03. Review status: criteria provided, single submitter. Criteria: Ambry Variant Classification Scheme 2023. Collection method: clinical testing. Allele origin: germline.

Labcorp Genetics (formerly Invitae), Labcorp
Classification: Uncertain significance. Last evaluated: 2023-05-16. Review status: criteria provided, single submitter. Criteria: Invitae Variant Classification Sherloc (09022015). Collection method: clinical testing. Allele origin: germline.
Comment: In summary, the available evidence is currently insufficient to determine the role of this variant in disease. Therefore, it has been classified as a Variant of Uncertain Significance. Advanced modeling of protein sequence and biophysical properties (such as structural, functional, and spatial information, amino acid conservation, physicochemical variation, residue mobility, and thermodynamic stability) performed at Invitae indicates that this missense variant is expected to disrupt DFNA5 protein function. This variant has not been reported in the literature in individuals affected with DFNA5-related conditions. This variant is present in population databases (rs370126747, gnomAD 0.01%). This sequence change replaces serine, which is neutral and polar, with leucine, which is neutral and non-polar, at codon 75 of the DFNA5 protein (p.Ser75Leu).